The following is an entry in ClinVar:

NM_006563.5(KLF1):c.87+1G>A

Genes: KLF1 (KLF transcription factor 1; minus strand), LOC117125592 (CRISPRi-FlowFISH-validated CALR, DHPS, JUNB, PRDX2, RAD23A, RNASEH2A and WDR83OS regulatory element; plus strand). Cytogenetic location: 19p13.13.
Variant type: single nucleotide variant.
Coding change: c.87+1G>A on transcript NM_006563.5 (MANE Select); the canonical splice donor site of the intron after coding-DNA position 87, G replaced by A.
Molecular consequence: splice donor variant.
Genome position (GRCh38, 1-based): chr19:12,887,053, C>T on the plus strand (G>A on the coding strand, the complement: KLF1 is on the minus strand). VCF-style: chr19-12887053-C-T. GRCh37 (hg19) VCF-style: chr19-12997867-C-T.
Identifiers: ClinVar variation 2851757 (VCV002851757.3), dbSNP rs2512557956, ClinGen allele CA404310870.

ClinVar aggregate classification (germline): Likely pathogenic (1 of 4 stars; one submission).

Allele frequency attached by ClinVar (database versions not stated): gnomAD exomes below 0.00001.

Submission:

Labcorp Genetics (formerly Invitae), Labcorp
Classification: Likely pathogenic. Last evaluated: 2025-06-03. Review status: criteria provided, single submitter. Criteria: Invitae Variant Classification Sherloc (09022015). Collection method: clinical testing. Allele origin: germline.
Comment: This sequence change affects a donor splice site in intron 1 of the KLF1 gene. It is expected to disrupt RNA splicing. Variants that disrupt the donor or acceptor splice site typically lead to a loss of protein function (PMID: 16199547), and loss-of-function variants in KLF1 are known to be pathogenic (PMID: 24443441, 25724378). This variant is not present in population databases (gnomAD no frequency). This variant has not been reported in the literature in individuals affected with KLF1-related conditions. ClinVar contains an entry for this variant (Variation ID: 2851757). Algorithms developed to predict the effect of sequence changes on RNA splicing suggest that this variant may disrupt the consensus splice site. In summary, the currently available evidence indicates that the variant is pathogenic, but additional data are needed to prove that conclusively. Therefore, this variant has been classified as Likely Pathogenic.

Literature cited by the submitters: PubMed 16199547; PubMed 24443441; PubMed 25724378.